The following is an entry in ClinVar:

ClinVar aggregate classification (germline): Uncertain significance. Review status: criteria provided, multiple submitters, no conflicts (2 of 4 stars). 2 submissions from 2 submitters: Uncertain significance (2). Last evaluated 2025-06-07.

Conditions:
Inborn genetic diseases. Identifiers: MedGen C0950123, MeSH D030342.

Allele frequency attached by ClinVar (database versions not stated): ExAC 0.00001; gnomAD 0.00001; TOPMed 0.00001; gnomAD exomes 0.00003.
gnomAD v4.1: 43 of 1,613,954 alleles (0.0027%); highest among the groups gnomAD compares: East Asian, 0.029%; no homozygotes.

Submissions (2):

Ambry Genetics
Classification: Uncertain significance for Inborn genetic diseases. Last evaluated: 2025-06-07. Review status: criteria provided, single submitter. Criteria: Ambry Variant Classification Scheme 2023. Collection method: clinical testing. Allele origin: germline.

Labcorp Genetics (formerly Invitae), Labcorp
Classification: Uncertain significance. Last evaluated: 2022-06-07. Review status: criteria provided, single submitter. Criteria: Invitae Variant Classification Sherloc (09022015). Collection method: clinical testing. Allele origin: germline.
Comment: This sequence change replaces valine, which is neutral and non-polar, with methionine, which is neutral and non-polar, at codon 139 of the SLC4A4 protein (p.Val139Met). This variant is present in population databases (rs767382056, gnomAD 0.005%). This variant has not been reported in the literature in individuals affected with SLC4A4-related conditions. Algorithms developed to predict the effect of missense changes on protein structure and function are either unavailable or do not agree on the potential impact of this missense change (SIFT: "Deleterious"; PolyPhen-2: "Possibly Damaging"; Align-GVGD: "Class C0"). In summary, the available evidence is currently insufficient to determine the role of this variant in disease. Therefore, it has been classified as a Variant of Uncertain Significance.

NM_001098484.3(SLC4A4):c.547G>A (p.Val183Met)

Gene: SLC4A4 (solute carrier family 4 member 4; plus strand). Cytogenetic location: 4q13.3.
Variant type: single nucleotide variant.
Coding change: c.547G>A on transcript NM_001098484.3 (MANE Select); coding-DNA position 547, G replaced by A.
Protein change: p.Val183Met; replaces valine 183 with methionine.
Molecular consequence: missense variant.
Genome position (GRCh38, 1-based): chr4:71,350,069, G>A. VCF-style: chr4-71350069-G-A. GRCh37 (hg19) VCF-style: chr4-72215786-G-A.
Other names: c.547G>A, p.Val183Met (NM_001134742.2); c.415G>A, p.Val139Met (NM_003759.4); c.415G>A (NM_003759.3); short protein forms V139M, V183M.
Identifiers: ClinVar variation 1895557 (VCV001895557.6), dbSNP rs767382056, ClinGen allele CA2954584.